The following is an entry in ClinVar:

NM_001099667.3(ARMS2):c.*385A>C

Genes: HTRA1-AS1 (HTRA1 and ARMS2 antisense RNA 1; minus strand), ARMS2 (age-related maculopathy susceptibility 2; plus strand). Cytogenetic location: 10q26.13.
Variant type: single nucleotide variant.
Coding change: c.*385A>C on transcript NM_001099667.3 (MANE Select); 385 bases downstream of the stop codon, A replaced by C.
Molecular consequence: 3 prime UTR variant.
Genome position (GRCh38, 1-based): chr10:122,457,318, A>C. VCF-style: chr10-122457318-A-C. GRCh37 (hg19) VCF-style: chr10-124216834-A-C.
Identifiers: ClinVar variation 299041 (VCV000299041.7), dbSNP rs2672603, ClinGen allele CA10631092.
Genomic context (GRCh38, chr10:122,457,318, plus strand): 5'-CCTCCTGTCATCCTGCCTTTGTTTTCTTGCCCTCCTTTCTCTCCCGGGTGATAGGCATTA[A>C]CTAAAATTAAATAAAAATTCAGATCATCCTTGCACTTGCTGCATTTCAAATGCTTGGCAG-3'

ClinVar aggregate classification (germline): Benign/Likely benign. Review status: criteria provided, multiple submitters, no conflicts (2 of 4 stars). 2 submissions from 2 submitters: Benign (1); Likely benign (1). Last evaluated 2018-01-12.

Conditions:
Age related macular degeneration 8. Identifiers: MedGen C3151070, MONDO:0013416, OMIM 613778.

Allele frequency attached by ClinVar (database versions not stated): 1000 Genomes Project 0.05192; 1000 Genomes Project 30x 0.05668; gnomAD 0.11547 and 0.11652; gnomAD exomes 0.16232.
gnomAD v4.1: 22,860 of 181,504 alleles (13%); highest among the groups gnomAD compares: Non-Finnish European, 17%; 2,842 homozygotes.

Submissions (2):

Illumina Laboratory Services, Illumina
Classification: Benign for Age related macular degeneration 8. Last evaluated: 2018-01-12. Review status: criteria provided, single submitter. Criteria: ICSL Variant Classification Criteria 13 December 2019. Collection method: clinical testing. Allele origin: germline.
Comment: This variant was observed in the ICSL laboratory as part of a predisposition screen in an ostensibly healthy population. It had not been previously curated by ICSL or reported in the Human Gene Mutation Database (HGMD: prior to June 1st, 2018), and was therefore a candidate for classification through an automated scoring system. Utilizing variant allele frequency, disease prevalence and penetrance estimates, and inheritance mode, an automated score was calculated to assess if this variant is too frequent to cause the disease. Based on the score and internal cut-off values, a variant classified as benign is not then subjected to further curation. The score for this variant resulted in a classification of benign for this disease.

Breakthrough Genomics
Classification: Likely benign. Review status: criteria provided, single submitter. Criteria: ACMG Guidelines, 2015. Collection method: not provided. Allele origin: germline. Inheritance: Unknown mechanism. Affected: yes.